The following is an entry in ClinVar:

ClinVar aggregate classification (germline): Uncertain significance (1 of 4 stars; one submission).

Submission:

Dasa
Classification: Uncertain significance. Last evaluated: 2026-03-11. Review status: criteria provided, single submitter. Criteria: DASA Assertion Criteria. Collection method: clinical testing. Allele origin: germline.
Comment: NM_001042492.3(NF1):c.2409+3_2409+4del is a splice-region variant predicted to affect normal RNA splicing. This variant affects a splice-region context with prior evidence supporting clinical relevance. This variant is absent from population databases. Computational prediction algorithms are consistent with a deleterious effect. The currently available literature and clinical evidence are not sufficient to establish a definitive association between this variant and the reported condition. Therefore, this variant is classified as a variant of uncertain significance.

NM_001042492.3(NF1):c.2409+3_2409+4del

Gene: NF1 (neurofibromin 1; plus strand). Cytogenetic location: 17q11.2.
Variant type: Deletion.
Coding change: c.2409+3_2409+4del on transcript NM_001042492.3 (MANE Select); bases 3 to 4 of the intron after coding-DNA position 2409, 2 bases deleted (AA; older notation c.2409+3_2409+4delAA).
Molecular consequence: intron variant.
Genome position (GRCh38, 1-based): chr17:31,227,609-31,227,610, AA deleted. VCF-style (leftmost placement, unchanged base first): chr17-31227608-TAA-T. GRCh37 (hg19) VCF-style: chr17-29554626-TAA-T.
Other names: c.2409+3_2409+4del (NM_000267.4).
Identifiers: ClinVar variation 4886312 (VCV004886312.2).